The following is an entry in ClinVar:

NM_005618.4(DLL1):c.1461C>T (p.His487=)

Gene: DLL1 (delta like canonical Notch ligand 1; minus strand). Cytogenetic location: 6q27.
Variant type: single nucleotide variant.
Coding change: c.1461C>T on transcript NM_005618.4 (MANE Select); coding-DNA position 1461, C replaced by T.
Protein change: p.His487=; no amino-acid change (histidine 487 retained).
Molecular consequence: synonymous variant.
Genome position (GRCh38, 1-based): chr6:170,283,818, G>A on the plus strand (C>T on the coding strand, the complement: DLL1 is on the minus strand). VCF-style: chr6-170283818-G-A. GRCh37 (hg19) VCF-style: chr6-170592906-G-A.
Identifiers: ClinVar variation 727464 (VCV000727464.12), dbSNP rs148030321, ClinGen allele CA4106819.

ClinVar aggregate classification (germline): Likely benign. Review status: criteria provided, multiple submitters, no conflicts (2 of 4 stars). 3 submissions from 3 submitters: Likely benign (3). Last evaluated 2026-09-01.

Allele frequency attached by ClinVar (database versions not stated): gnomAD exomes 0.00010 and 0.00035; gnomAD 0.00012 and 0.00014; TOPMed 0.00033; ExAC 0.00035; 1000 Genomes Project 0.00040; 1000 Genomes Project 30x 0.00062.

Submissions (3):

CeGaT Center for Human Genetics Tuebingen
Classification: Likely benign. Last evaluated: 2026-09-01. Review status: criteria provided, single submitter. Criteria: CeGaT Center For Human Genetics Tuebingen Variant Classification Criteria Version 2. Collection method: clinical testing. Allele origin: germline. Affected: yes. Observed: 3 variant alleles.
Comment: DLL1: BP4, BP7

Labcorp Genetics (formerly Invitae), Labcorp
Classification: Likely benign. Last evaluated: 2025-10-14. Review status: criteria provided, single submitter. Criteria: Invitae Variant Classification Sherloc (09022015). Collection method: clinical testing. Allele origin: germline.

Breakthrough Genomics
Classification: Likely benign. Review status: criteria provided, single submitter. Criteria: ACMG Guidelines, 2015. Collection method: not provided. Allele origin: germline. Inheritance: Autosomal dominant inheritance. Affected: yes.